The following is an entry in ClinVar:

NM_000035.4(ALDOB):c.123dup (p.Asn42fs)

Gene: ALDOB (aldolase, fructose-bisphosphate B; minus strand). Cytogenetic location: 9q31.1.
Variant type: Duplication.
Coding change: c.123dup on transcript NM_000035.4 (MANE Select); coding-DNA position 123, one base duplicated (G; older notation c.123dupG).
Protein change: p.Asn42fs; shifts the reading frame from asparagine 42.
Molecular consequence: frameshift variant.
Genome position (GRCh38, 1-based): chr9:101,429,956, C duplicated on the plus strand (G on the coding strand, the reverse complement: ALDOB is on the minus strand); the first of 4 consecutive C bases (chr9:101,429,956-101,429,959); duplicating any one gives the same sequence. VCF-style (leftmost placement, unchanged base first): chr9-101429955-T-TC. GRCh37 (hg19) VCF-style: chr9-104192237-T-TC.
Other names: short protein forms N42fs.
Identifiers: ClinVar variation 5015934 (VCV005015934.1).

ClinVar aggregate classification (germline): Pathogenic (1 of 4 stars; one submission).

Conditions:
Hereditary fructosuria. Also called: Hereditary fructose intolerance; ALDOB DEFICIENCY; ALDOLASE B DEFICIENCY; FRUCTOSE-1,6-BISPHOSPHATE ALDOLASE B DEFICIENCY; FRUCTOSE-1-PHOSPHATE ALDOLASE DEFICIENCY; FRUCTOSEMIA. Identifiers: Orphanet 469, MedGen C0016751, MONDO:0009249, OMIM 229600, HP:0005973. Disease mechanism: loss of function.

Submission:

Myriad Genetics, Inc.
Classification: Pathogenic for Hereditary fructosuria. Last evaluated: 2026-05-20. Review status: criteria provided, single submitter. Criteria: Myriad Autosomal Dominant, Autosomal Recessive and X-Linked Classification Criteria (2023). Collection method: clinical testing. Allele origin: unknown.
Comment: NM_000035.3(ALDOB):c.123dupG(N42Efs*12) is expected to be pathogenic in the context of hereditary fructose intolerance. This variant is predicted to lead to an abnormal or absent protein product due to the creation of a premature termination codon in ALDOB, a gene where loss-of-function variants are known to be pathogenic. Please note: this variant was assessed in the context of healthy population screening.